The following is an entry in ClinVar:

NM_005422.4(TECTA):c.4391G>C (p.Cys1464Ser)

Genes: TBCEL-TECTA (TBCEL-TECTA readthrough; plus strand), TECTA (tectorin alpha; plus strand). Cytogenetic location: 11q23.3.
Variant type: single nucleotide variant.
Coding change: c.4391G>C on transcript NM_005422.4 (MANE Select); coding-DNA position 4391, G replaced by C.
Protein change: p.Cys1464Ser; replaces cysteine 1464 with serine.
Molecular consequence: missense variant.
Genome position (GRCh38, 1-based): chr11:121,157,926, G>C. VCF-style: chr11-121157926-G-C. GRCh37 (hg19) VCF-style: chr11-121028635-G-C.
Other names: c.5348G>C, p.Cys1783Ser (NM_001378761.1); short protein forms C1464S, C1783S.
Identifiers: ClinVar variation 3363830 (VCV003363830.1).

ClinVar aggregate classification (germline): Uncertain significance (1 of 4 stars; one submission).

gnomAD v4.1: 1 of 1,614,174 alleles (0.000062%); highest among the groups gnomAD compares: Non-Finnish European, 0.000085%; no homozygotes.

Submission:

GeneDx
Classification: Uncertain significance. Last evaluated: 2023-11-08. Review status: criteria provided, single submitter. Criteria: GeneDx Variant Classification Process June 2021. Collection method: clinical testing. Allele origin: germline. Affected: yes.
Comment: Not observed at significant frequency in large population cohorts (gnomAD); In silico analysis supports that this missense variant has a deleterious effect on protein structure/function; Has not been previously published as pathogenic or benign to our knowledge; This variant is associated with the following publications: (PMID: 21520338, 31554319, 9590290)